The following is an entry in ClinVar:

NM_003238.6(TGFB2):c.121C>T (p.Arg41Cys)

Gene: TGFB2 (transforming growth factor beta 2; plus strand). Cytogenetic location: 1q41.
Variant type: single nucleotide variant.
Coding change: c.121C>T on transcript NM_003238.6 (MANE Select); coding-DNA position 121, C replaced by T.
Protein change: p.Arg41Cys; replaces arginine 41 with cysteine.
Molecular consequence: missense variant. On other transcripts: non-coding transcript variant (2).
Genome position (GRCh38, 1-based): chr1:218,346,822, C>T. VCF-style: chr1-218346822-C-T. GRCh37 (hg19) VCF-style: chr1-218520164-C-T.
Other names: c.121C>T, p.Arg41Cys (NM_001135599.4); short protein forms R41C.
Identifiers: ClinVar variation 3223140 (VCV003223140.1), dbSNP rs2464549130, ClinGen allele CA344725333.

ClinVar aggregate classification (germline): Uncertain significance (1 of 4 stars; one submission).

Conditions:
Familial thoracic aortic aneurysm and aortic dissection (TAAD). Also called: Thoracic aortic aneurysms and dissections. Identifiers: Orphanet 91387, MedGen C4707243, MONDO:0019625.

Submission:

Ambry Genetics
Classification: Uncertain significance for Familial thoracic aortic aneurysm and aortic dissection. Last evaluated: 2024-02-25. Review status: criteria provided, single submitter. Criteria: Ambry Variant Classification Scheme 2023. Collection method: clinical testing. Allele origin: germline.
Comment: The p.R41C variant (also known as c.121C>T), located in coding exon 1 of the TGFB2 gene, results from a C to T substitution at nucleotide position 121. The arginine at codon 41 is replaced by cysteine, an amino acid with highly dissimilar properties. This amino acid position is conserved. In addition, the in silico prediction for this alteration is inconclusive. Based on the available evidence, the clinical significance of this alteration remains unclear.